The following is an entry in ClinVar:

ClinVar aggregate classification (germline): Uncertain significance. Review status: criteria provided, multiple submitters, no conflicts (2 of 4 stars). 2 submissions from 2 submitters: Uncertain significance (2). Last evaluated 2023-12-20.

Conditions:
Inborn genetic diseases. Identifiers: MedGen C0950123, MeSH D030342.

Allele frequency attached by ClinVar (database versions not stated): TOPMed 0.00001; ExAC 0.00003; gnomAD 0.00001.
gnomAD v4.1: 19 of 1,613,944 alleles (0.0012%); highest among the groups gnomAD compares: East Asian, 0.0022%; no homozygotes.

Submissions (2):

Ambry Genetics
Classification: Uncertain significance for Inborn genetic diseases. Last evaluated: 2023-12-20. Review status: criteria provided, single submitter. Criteria: Ambry Variant Classification Scheme 2023. Collection method: clinical testing. Allele origin: germline.

Labcorp Genetics (formerly Invitae), Labcorp
Classification: Uncertain significance. Last evaluated: 2022-06-15. Review status: criteria provided, single submitter. Criteria: Invitae Variant Classification Sherloc (09022015). Collection method: clinical testing. Allele origin: germline.
Comment: In summary, the available evidence is currently insufficient to determine the role of this variant in disease. Therefore, it has been classified as a Variant of Uncertain Significance. This sequence change replaces methionine, which is neutral and non-polar, with valine, which is neutral and non-polar, at codon 2083 of the SZT2 protein (p.Met2083Val). This variant is present in population databases (rs778529188, gnomAD 0.02%). This variant has not been reported in the literature in individuals affected with SZT2-related conditions. Algorithms developed to predict the effect of missense changes on protein structure and function output the following: SIFT: "Tolerated"; PolyPhen-2: "Benign"; Align-GVGD: "Class C0". The valine amino acid residue is found in multiple mammalian species, which suggests that this missense change does not adversely affect protein function.

NM_001365999.1(SZT2):c.6418A>G (p.Met2140Val)

Gene: SZT2 (SZT2 subunit of KICSTOR complex; plus strand). Cytogenetic location: 1p34.2.
Variant type: single nucleotide variant.
Coding change: c.6418A>G on transcript NM_001365999.1 (MANE Select); coding-DNA position 6418, A replaced by G.
Protein change: p.Met2140Val; replaces methionine 2140 with valine.
Molecular consequence: missense variant.
Genome position (GRCh38, 1-based): chr1:43,437,812, A>G. VCF-style: chr1-43437812-A-G. GRCh37 (hg19) VCF-style: chr1-43903483-A-G.
Other names: c.6247A>G (NM_015284.3); c.6247A>G, p.Met2083Val (NM_015284.4); short protein forms M2083V, M2140V.
Identifiers: ClinVar variation 2041902 (VCV002041902.5), dbSNP rs778529188, ClinGen allele CA809886.